The following is an entry in ClinVar:

ClinVar aggregate classification (germline): Uncertain significance (1 of 4 stars; one submission).

Conditions:
Leigh syndrome (NULS). Also called: Leigh's necrotizing encephalopathy; Leigh's disease; Leigh Syndrome (mtDNA deletion); Leigh Disease; Subacute necrotizing encephalopathy; Necrotizing encephalopathy infantile subacute of Leigh. Identifiers: Orphanet 506, MedGen C2931891, MONDO:0009723, OMIM 256000.

Submission:

Wong Mito Lab, Molecular and Human Genetics, Baylor College of Medicine
Classification: Uncertain significance for Leigh syndrome. Last evaluated: 2019-10-17. Review status: criteria provided, single submitter. Criteria: Modified ACMG Guidelines (Unpublished). Collection method: clinical testing. Allele origin: germline.
Comment: The NC_012920.1:m.4258A>G (YP_003024026.1:p.Thr318Ala) variant in MTND1 gene is interpretated to be a Uncertain Significance variant based on the modified ACMG guidelines (unpublished). This variant meets the following evidence codes: BP4

NC_012920.1(MT-ND1):m.4258A>G

Gene: MT-ND1 (mitochondrially encoded NADH dehydrogenase 1; plus strand).
Variant type: single nucleotide variant.
Genome position: chrM-4258-A-G.
Identifiers: ClinVar variation 692444 (VCV000692444.1), dbSNP rs1603219383, ClinGen allele CA414774536.